The following is an entry in ClinVar:

ClinVar aggregate classification (germline): Benign/Likely benign. Review status: criteria provided, multiple submitters, no conflicts (2 of 4 stars). 5 submissions from 5 submitters: Benign (2); Likely benign (3). Last evaluated 2026-02-03.

Conditions:
Long QT syndrome (LQTS). Identifiers: MedGen C0023976, MeSH D008133, MONDO:0002442. Disease mechanism: loss of function. Inheritance: Various modes of inheritance.

Allele frequency attached by ClinVar (database versions not stated): ESP Exome Variant Server 0.00032; 1000 Genomes Project 0.00040; ExAC 0.00040; TOPMed 0.00040; 1000 Genomes Project 30x 0.00047; gnomAD 0.00049 and 0.00051; gnomAD exomes 0.00049 and 0.00050.
gnomAD v4.1: 801 of 1,613,594 alleles (0.05%); highest among the groups gnomAD compares: African/African-American, 0.048%; 3 homozygotes.

Submissions (5):

Labcorp Genetics (formerly Invitae), Labcorp
Classification: Benign for Long QT syndrome. Last evaluated: 2026-02-03. Review status: criteria provided, single submitter. Criteria: Invitae Variant Classification Sherloc (09022015). Collection method: clinical testing. Allele origin: germline.

ARUP Laboratories, Molecular Genetics and Genomics, ARUP Laboratories
Classification: Likely benign. Last evaluated: 2025-01-23. Review status: criteria provided, single submitter. Criteria: ARUP Molecular Germline Variant Investigation Process 2024. Collection method: clinical testing. Allele origin: germline.

Blueprint Genetics
Classification: Likely benign. Last evaluated: 2024-10-25. Review status: criteria provided, single submitter. Criteria: ACMG Guidelines, 2015. Collection method: clinical testing. Allele origin: germline.

Women's Health and Genetics/Laboratory Corporation of America, LabCorp
Classification: Benign. Last evaluated: 2020-01-13. Review status: criteria provided, single submitter. Criteria: LabCorp Variant Classification Summary - May 2015. Collection method: clinical testing. Allele origin: germline.
Comment: Variant summary: CACNA1C c.5091+17C>T alters a non-conserved nucleotide located close to a canonical splice site and therefore could affect mRNA splicing, leading to a significantly altered protein sequence. 4/4 computational tools predict no significant impact on normal splicing. However, these predictions have yet to be confirmed by functional studies. The variant allele was found at a frequency of 0.00049 in 248350 control chromosomes (gnomAD). The observed variant frequency is approximately 48.7- fold the estimated maximal expected allele frequency for a pathogenic variant in CACNA1C causing Arrhythmia phenotype (1e-05), strongly suggesting that the variant is benign. To our knowledge, no occurrence of c.5091+17C>T in individuals affected with Arrhythmia and no experimental evidence demonstrating an impact on protein function have been reported. One other clinical diagnostic laboratory has submitted clinical-significance assessments for this variant to ClinVar after 2014 without evidence for independent evaluation and cited the variant as likely benign. Based on the evidence outlined above, the variant was classified as benign.

GeneDx
Classification: Likely benign. Last evaluated: 2017-04-03. Review status: criteria provided, single submitter. Criteria: GeneDx Variant Classification (06012015). Collection method: clinical testing. Allele origin: germline. Affected: yes.
Comment: This variant is considered likely benign or benign based on one or more of the following criteria: it is a conservative change, it occurs at a poorly conserved position in the protein, it is predicted to be benign by multiple in silico algorithms, and/or has population frequency not consistent with disease.

NM_000719.7(CACNA1C):c.5091+17C>T

Genes: CACNA1C-AS1 (CACNA1C antisense RNA 1; minus strand), CACNA1C (calcium voltage-gated channel subunit alpha1 C; plus strand). Cytogenetic location: 12p13.33.
Variant type: single nucleotide variant.
Coding change: c.5091+17C>T on transcript NM_000719.7 (MANE Select); 17 bases into the intron after coding-DNA position 5091, C replaced by T.
Molecular consequence: intron variant. On other transcripts: non-coding transcript variant (1).
Genome position (GRCh38, 1-based): chr12:2,677,884, C>T. VCF-style: chr12-2677884-C-T. GRCh37 (hg19) VCF-style: chr12-2787050-C-T.
Other names: c.5091+17C>T (NM_001167624.3, NM_001167623.2, NM_001129840.2 and 4 more transcripts); c.5058+17C>T (NM_001167625.2, NM_001129846.2); c.5235+17C>T (NM_199460.4, NM_001129827.2); c.5151+17C>T (NM_001129832.2); c.5175+17C>T (NM_001129831.2); c.5148+17C>T (NM_001129833.2, NM_001129834.2, NM_001129835.2); c.5214+17C>T (NM_001129829.2); c.5115+17C>T (NM_001129837.2, NM_001129838.2); and 3 more.
Identifiers: ClinVar variation 377612 (VCV000377612.12), dbSNP rs375537358, ClinGen allele CA6389690.